The following is an entry in ClinVar:

ClinVar aggregate classification (germline): Uncertain significance (1 of 4 stars; one submission).

gnomAD v4.1: 1 of 1,589,714 alleles (0.000063%); highest among the groups gnomAD compares: Non-Finnish European, 0.000086%; no homozygotes.

Submission:

Ambry Genetics
Classification: Uncertain significance. Last evaluated: 2025-06-15. Review status: criteria provided, single submitter. Criteria: Ambry Variant Classification Scheme 2023. Collection method: clinical testing. Allele origin: germline.
Comment: The p.S5R variant (also known as c.13A>C), located in coding exon 1 of the FAM175A gene, results from an A to C substitution at nucleotide position 13. The serine at codon 5 is replaced by arginine, an amino acid with dissimilar properties. This amino acid position is conserved. In addition, this alteration is predicted to be tolerated by in silico analysis. Since supporting evidence is limited at this time, the clinical significance of this alteration remains unclear.

NM_139076.3(ABRAXAS1):c.13A>C (p.Ser5Arg)

Genes: ABRAXAS1 (abraxas 1, BRCA1 A complex subunit; minus strand), LOC129992784 (ATAC-STARR-seq lymphoblastoid silent region 15542; plus strand). Cytogenetic location: 4q21.23.
Variant type: single nucleotide variant.
Coding change: c.13A>C on transcript NM_139076.3 (MANE Select); coding-DNA position 13, A replaced by C.
Protein change: p.Ser5Arg; replaces serine 5 with arginine.
Molecular consequence: missense variant. On other transcripts: 5 prime UTR variant (1).
Genome position (GRCh38, 1-based): chr4:83,485,060, T>G on the plus strand (A>C on the coding strand, the complement: ABRAXAS1 is on the minus strand). VCF-style: chr4-83485060-T-G. GRCh37 (hg19) VCF-style: chr4-84406213-T-G.
Other names: c.-248A>C (NM_001345962.2); short protein forms S5R.
Identifiers: ClinVar variation 1800376 (VCV001800376.3), dbSNP rs751509771, ClinGen allele CA357264110.
Genomic context (GRCh38, chr4:83,485,060, plus strand): 5'-TGTTGAGGTGCTGGAAAGCGAGTGCGCCGAGCACAAAGCCCGAGAGCACCGCCGACGTAC[T>G]CTCCCCCTCCATGCTACCGCCGCCTCAGGCTACACAAGAGGACGAGGGCGGGGCGCGCGG-3'
Protein context (NP_620775.2, residues 1-15): MEGE[Ser5Arg]TSAVLSGFVL